The following is an entry in ClinVar:

NM_002878.4(RAD51D):c.225G>A (p.Leu75=)

Genes: RAD51L3-RFFL (RAD51L3-RFFL readthrough; minus strand), RAD51D (RAD51 paralog D; minus strand). Cytogenetic location: 17q12.
Variant type: single nucleotide variant.
Coding change: c.225G>A on transcript NM_002878.4 (MANE Select); coding-DNA position 225, G replaced by A.
Protein change: p.Leu75=; no amino-acid change (leucine 75 retained).
Molecular consequence: synonymous variant. On other transcripts: intron variant (2).
Genome position (GRCh38, 1-based): chr17:35,118,539, C>T on the plus strand (G>A on the coding strand, the complement: RAD51D is on the minus strand). VCF-style: chr17-35118539-C-T. GRCh37 (hg19) VCF-style: chr17-33445558-C-T.
Other names: c.144+572G>A (NM_133629.3, NM_001142571.2).
Identifiers: ClinVar variation 1788587 (VCV001788587.5), dbSNP rs2142473944, ClinGen allele CA2545802588.

ClinVar aggregate classification (germline): Benign/Likely benign. Review status: criteria provided, multiple submitters, no conflicts (2 of 4 stars). 3 submissions from 3 submitters: Benign (1); Likely benign (2). Last evaluated 2025-02-20.

Conditions:
Hereditary cancer-predisposing syndrome. Also called: Hereditary Cancer Syndrome; Hereditary neoplastic syndrome; Tumor predisposition; Neoplastic Syndromes, Hereditary. Identifiers: Orphanet 140162, MedGen C0027672, MeSH D009386, MONDO:0015356.
Breast-ovarian cancer, familial, susceptibility to, 4. Identifiers: Orphanet 145, MedGen C3280345, MONDO:0013669, OMIM 614291.

Submissions (3):

Myriad Genetics, Inc.
Classification: Benign for Breast-ovarian cancer, familial, susceptibility to, 4. Last evaluated: 2025-02-20. Review status: criteria provided, single submitter. Criteria: Myriad Autosomal Dominant, Autosomal Recessive and X-Linked Classification Criteria (2023). Collection method: clinical testing. Allele origin: unknown.
Comment: This variant is considered benign. This variant is a silent/synonymous amino acid change and it is not expected to impact splicing.

Labcorp Genetics (formerly Invitae), Labcorp
Classification: Likely benign for Breast-ovarian cancer, familial, susceptibility to, 4. Last evaluated: 2024-04-30. Review status: criteria provided, single submitter. Criteria: Invitae Variant Classification Sherloc (09022015). Collection method: clinical testing. Allele origin: germline.

Ambry Genetics
Classification: Likely benign for Hereditary cancer-predisposing syndrome. Last evaluated: 2020-01-31. Review status: criteria provided, single submitter. Criteria: Ambry Variant Classification Scheme 2023. Collection method: clinical testing. Allele origin: germline.